The following is an entry in ClinVar:

NM_002470.4(MYH3):c.4495G>C (p.Val1499Leu)

Gene: MYH3 (myosin heavy chain 3; minus strand). Cytogenetic location: 17p13.1.
Variant type: single nucleotide variant.
Coding change: c.4495G>C on transcript NM_002470.4 (MANE Select); coding-DNA position 4495, G replaced by C.
Protein change: p.Val1499Leu; replaces valine 1499 with leucine.
Molecular consequence: missense variant.
Genome position (GRCh38, 1-based): chr17:10,634,044, C>G on the plus strand (G>C on the coding strand, the complement: MYH3 is on the minus strand). VCF-style: chr17-10634044-C-G. GRCh37 (hg19) VCF-style: chr17-10537361-C-G.
Other names: short protein forms V1499L.
Identifiers: ClinVar variation 2724752 (VCV002724752.3), dbSNP rs749816458, ClinGen allele CA287781332.

ClinVar aggregate classification (germline): Uncertain significance (1 of 4 stars; one submission).

Allele frequency attached by ClinVar (database versions not stated): gnomAD exomes 0.00002.
gnomAD v4.1: 22 of 1,614,170 alleles (0.0014%); highest among the groups gnomAD compares: Non-Finnish European, 0.0019%; no homozygotes.

Submission:

Labcorp Genetics (formerly Invitae), Labcorp
Classification: Uncertain significance. Last evaluated: 2025-04-10. Review status: criteria provided, single submitter. Criteria: Invitae Variant Classification Sherloc (09022015). Collection method: clinical testing. Allele origin: germline.
Comment: This sequence change replaces valine, which is neutral and non-polar, with leucine, which is neutral and non-polar, at codon 1499 of the MYH3 protein (p.Val1499Leu). This variant is not present in population databases (gnomAD no frequency). This variant has not been reported in the literature in individuals affected with MYH3-related conditions. ClinVar contains an entry for this variant (Variation ID: 2724752). Invitae Evidence Modeling of protein sequence and biophysical properties (such as structural, functional, and spatial information, amino acid conservation, physicochemical variation, residue mobility, and thermodynamic stability) indicates that this missense variant is not expected to disrupt MYH3 protein function with a negative predictive value of 95%. In summary, the available evidence is currently insufficient to determine the role of this variant in disease. Therefore, it has been classified as a Variant of Uncertain Significance.